The following is an entry in ClinVar:

ClinVar aggregate classification (germline): Benign/Likely benign. Review status: criteria provided, multiple submitters, no conflicts (2 of 4 stars). 4 submissions from 4 submitters: Benign (1); Likely benign (3). Last evaluated 2025-12-01.

Conditions:
Multiple endocrine neoplasia, type 1 (MEN1). Also called: MEA I; MEN I; WERMER SYNDROME; Endocrine adenomatosis multiple; MEN 1. Identifiers: Orphanet 652, MedGen C0025267, MeSH D018761, MONDO:0007540, OMIM 131100.
Hereditary cancer-predisposing syndrome. Also called: Hereditary neoplastic syndrome; Neoplastic Syndromes, Hereditary; Tumor predisposition; Hereditary Cancer Syndrome. Identifiers: Orphanet 140162, MedGen C0027672, MeSH D009386, MONDO:0015356.

Allele frequency attached by ClinVar (database versions not stated): gnomAD exomes below 0.00001 and 0.00001; TOPMed below 0.00001; ExAC 0.00001; gnomAD 0.00003.

Submissions (4):

Labcorp Genetics (formerly Invitae), Labcorp
Classification: Likely benign for Multiple endocrine neoplasia, type 1. Last evaluated: 2025-12-01. Review status: criteria provided, single submitter. Criteria: Invitae Variant Classification Sherloc (09022015). Collection method: clinical testing. Allele origin: germline.

Color Diagnostics, LLC DBA Color Health
Classification: Likely benign for Multiple endocrine neoplasia, type 1. Last evaluated: 2025-06-17. Review status: criteria provided, single submitter. Criteria: ACMG Guidelines, 2015. Collection method: clinical testing. Allele origin: germline.

Myriad Genetics, Inc.
Classification: Benign for Multiple endocrine neoplasia, type 1. Last evaluated: 2024-11-04. Review status: criteria provided, single submitter. Criteria: Myriad Autosomal Dominant, Autosomal Recessive and X-Linked Classification Criteria (2023). Collection method: clinical testing. Allele origin: unknown.
Comment: This variant is considered benign. This variant is a silent/synonymous amino acid change and it is not expected to impact splicing.

Ambry Genetics
Classification: Likely benign for Hereditary cancer-predisposing syndrome. Last evaluated: 2020-07-22. Review status: criteria provided, single submitter. Criteria: Ambry Variant Classification Scheme 2023. Collection method: clinical testing. Allele origin: germline.

NM_001370259.2(MEN1):c.1074G>A (p.Glu358=)

Gene: MEN1 (menin 1; minus strand). Cytogenetic location: 11q13.1.
Variant type: single nucleotide variant.
Coding change: c.1074G>A on transcript NM_001370259.2 (MANE Select); coding-DNA position 1074, G replaced by A.
Protein change: p.Glu358=; no amino-acid change (glutamic acid 358 retained).
Molecular consequence: synonymous variant.
Genome position (GRCh38, 1-based): chr11:64,805,746, C>T on the plus strand (G>A on the coding strand, the complement: MEN1 is on the minus strand). VCF-style: chr11-64805746-C-T. GRCh37 (hg19) VCF-style: chr11-64573218-C-T.
Other names: c.1089G>A, p.Glu363= (NM_000244.4, NM_130800.3, NM_130801.3 and 3 more transcripts); c.1200G>A, p.Glu400= (NM_001370251.2); c.1074G>A, p.Glu358= (NM_001370260.2, NM_001370261.2, NM_130799.3); c.969G>A, p.Glu323= (NM_001370262.2, NM_001370263.2).
Identifiers: ClinVar variation 412584 (VCV000412584.14), dbSNP rs776834299, ClinGen allele CA059916.